The following is an entry in ClinVar:

ClinVar aggregate classification (germline): Benign/Likely benign. Review status: criteria provided, multiple submitters, no conflicts (2 of 4 stars). 3 submissions from 3 submitters: Benign (1); Likely benign (1). 1 of the submissions does not count toward it. Last evaluated 2025-07-17.

Conditions:
TAF1-related disorder. Also called: TAF1-related condition.

Submissions (3):

Labcorp Genetics (formerly Invitae), Labcorp
Classification: Benign. Last evaluated: 2025-07-17. Review status: criteria provided, single submitter. Criteria: Invitae Variant Classification Sherloc (09022015). Collection method: clinical testing. Allele origin: germline.

Blueprint Genetics
Classification: Likely benign. Last evaluated: 2024-11-20. Review status: criteria provided, single submitter. Criteria: ACMG Guidelines, 2015. Collection method: clinical testing. Allele origin: germline.

PreventionGenetics, part of Exact Sciences
Classification: Likely benign for TAF1-related condition. Last evaluated: 2024-02-19. Review status: no assertion criteria provided. Collection method: clinical testing. Allele origin: germline. Not counted in ClinVar's aggregate classification.
Comment: This variant is classified as likely benign based on ACMG/AMP sequence variant interpretation guidelines (Richards et al. 2015 PMID: 25741868, with internal and published modifications).

NM_004606.5(TAF1):c.4753+10del

Gene: TAF1 (TATA-box binding protein associated factor 1; plus strand). Cytogenetic location: Xq13.1.
Variant type: Deletion.
Coding change: c.4753+10del on transcript NM_004606.5 (MANE Select); 10 bases into the intron after coding-DNA position 4753, one base deleted (T; older notation c.4753+10delT).
Molecular consequence: intron variant.
Genome position (GRCh38, 1-based): chrX:71,424,248, T deleted; the last of 3 consecutive T bases (chrX:71,424,246-71,424,248); deleting any one gives the same sequence. VCF-style (leftmost placement, unchanged base first): chrX-71424245-AT-A. GRCh37 (hg19) VCF-style: chrX-70644095-AT-A.
Other names: c.4753+10del (NM_001286074.2); c.4690+10del (NM_138923.4); c.4813+10delT (NM_001286074.1).
Identifiers: ClinVar variation 696019 (VCV000696019.10), dbSNP rs762280604, ClinGen allele CA10447228.
Genomic context (GRCh38, chrX:71,424,245, plus strand): 5'-AGAGCTTTCTGGATGATGTAAACCTTATTCTGGCCAACAGTGTTAAGTATAATGGTGGGT[AT>A]TTCTCATTATTTTCTTTCCATGAATCCGTCCATCTTCTATCCATCTAACATTACTTAGCA-3'